The following is an entry in ClinVar:

ClinVar aggregate classification (germline): Uncertain significance (1 of 4 stars; one submission).

Conditions:
Agammaglobulinemia 6, autosomal recessive (AGM6). Also called: AGAMMAGLOBULINEMIA 6; AGAMMAGLOBULINEMIA, AUTOSOMAL RECESSIVE, DUE TO CD79B DEFECT. Identifiers: MedGen C3150207, MONDO:0012987, OMIM 612692.

Submission:

Labcorp Genetics (formerly Invitae), Labcorp
Classification: Uncertain significance for Agammaglobulinemia 6, autosomal recessive. Last evaluated: 2021-12-28. Review status: criteria provided, single submitter. Criteria: Invitae Variant Classification Sherloc (09022015). Collection method: clinical testing. Allele origin: germline.
Comment: In summary, the available evidence is currently insufficient to determine the role of this variant in disease. Therefore, it has been classified as a Variant of Uncertain Significance. Algorithms developed to predict the effect of missense changes on protein structure and function are either unavailable or do not agree on the potential impact of this missense change (SIFT: "Not Available"; PolyPhen-2: "Probably Damaging"; Align-GVGD: "Not Available"). This variant has not been reported in the literature in individuals affected with CD79B-related conditions. This variant is not present in population databases (gnomAD no frequency). This sequence change replaces arginine, which is basic and polar, with proline, which is neutral and non-polar, at codon 57 of the CD79B protein (p.Arg57Pro).

NM_000626.4(CD79B):c.170G>C (p.Arg57Pro)

Genes: CD79B (CD79b molecule; minus strand), GH-LCR (growth hormone locus control region; plus strand). Cytogenetic location: 17q23.3.
Variant type: single nucleotide variant.
Coding change: c.170G>C on transcript NM_000626.4 (MANE Select); coding-DNA position 170, G replaced by C.
Protein change: p.Arg57Pro; replaces arginine 57 with proline.
Molecular consequence: missense variant. On other transcripts: intron variant (2).
Genome position (GRCh38, 1-based): chr17:63,930,334, C>G on the plus strand (G>C on the coding strand, the complement: CD79B is on the minus strand). VCF-style: chr17-63930334-C-G. GRCh37 (hg19) VCF-style: chr17-62007694-C-G.
Other names: c.173G>C, p.Arg58Pro (NM_001039933.3); c.119-446G>C (NM_021602.4); c.122-446G>C (NM_001329050.2); short protein forms R57P, R58P.
Identifiers: ClinVar variation 2063964 (VCV002063964.4), dbSNP rs746592632, ClinGen allele CA400605228.